The following is an entry in ClinVar:

ClinVar aggregate classification (germline): Uncertain significance (1 of 4 stars; one submission).

gnomAD v4.1: 1 of 1,587,608 alleles (0.000063%); highest among the groups gnomAD compares: Non-Finnish European, 0.000086%; no homozygotes.

Submission:

Labcorp Genetics (formerly Invitae), Labcorp
Classification: Uncertain significance. Last evaluated: 2022-08-20. Review status: criteria provided, single submitter. Criteria: Invitae Variant Classification Sherloc (09022015). Collection method: clinical testing. Allele origin: germline.
Comment: Algorithms developed to predict the effect of missense changes on protein structure and function are either unavailable or do not agree on the potential impact of this missense change (SIFT: "Deleterious"; PolyPhen-2: "Benign"; Align-GVGD: "Class C0"). This sequence change replaces leucine, which is neutral and non-polar, with glutamine, which is neutral and polar, at codon 27 of the WNT5A protein (p.Leu27Gln). This variant is not present in population databases (gnomAD no frequency). This variant has not been reported in the literature in individuals affected with WNT5A-related conditions. In summary, the available evidence is currently insufficient to determine the role of this variant in disease. Therefore, it has been classified as a Variant of Uncertain Significance.

NM_003392.7(WNT5A):c.80T>A (p.Leu27Gln)

Gene: WNT5A (Wnt family member 5A; minus strand). Cytogenetic location: 3p14.3.
Variant type: single nucleotide variant.
Coding change: c.80T>A on transcript NM_003392.7 (MANE Select); coding-DNA position 80, T replaced by A.
Protein change: p.Leu27Gln; replaces leucine 27 with glutamine.
Molecular consequence: missense variant.
Genome position (GRCh38, 1-based): chr3:55,480,845, A>T on the plus strand (T>A on the coding strand, the complement: WNT5A is on the minus strand). VCF-style: chr3-55480845-A-T. GRCh37 (hg19) VCF-style: chr3-55514873-A-T.
Other names: c.35T>A, p.Leu12Gln (NM_001256105.1, NM_001377271.1, NM_001377272.1); short protein forms L12Q, L27Q.
Identifiers: ClinVar variation 1717127 (VCV001717127.5), dbSNP rs149311661, ClinGen allele CA353267985.